The following is an entry in ClinVar:

NC_012920.1(MT-TV):m.1630A>G

Gene: MT-TV (mitochondrially encoded tRNA valine; plus strand).
Variant type: single nucleotide variant.
Genome position: chrM-1630-A-G.
Identifiers: ClinVar variation 689840 (VCV000689840.4), dbSNP rs1603218588, ClinGen allele CA913163293.

ClinVar aggregate classification (germline): Uncertain significance. Review status: reviewed by expert panel (3 of 4 stars). 3 submissions from 3 submitters: Uncertain significance (1). 2 of the submissions do not count toward it. Last evaluated 2022-11-14.

Conditions:
Mitochondrial disease. Also called: Mitochondrial disorder; Mitochondrial disorders. Identifiers: Orphanet 68380, MedGen C0751651, MeSH D028361, MONDO:0044970.
MELAS syndrome (MELAS). Also called: Juvenile myopathy, encephalopathy, lactic acidosis, stroke. Identifiers: Orphanet 550, MedGen C0162671, MONDO:0010789, OMIM 540000.

Submissions (3):

ClinGen Mitochondrial Disease Nuclear and Mitochondrial  Variant Curation Expert Panel, ClinGen
Classification: Uncertain significance for Mitochondrial disease. Last evaluated: 2022-11-14. Review status: reviewed by expert panel. Criteria: McCormick et al. (Hum Mutat. 2020). Collection method: curation. Allele origin: germline. Inheritance: Mitochondrial inheritance.
Comment: The m.1630A>G variant in MT-TV has been reported in two unrelated individuals. One individual had features consistent with mitochondrial neurogastrointestinal encephalopathy (MNGIE) with additional features of hearing loss, mild psychomotor delay, headache, and small stature (PMID: 19252805). Another individual had features consistent with mitochondrial encephalomyopathy, lactic acidosis, and stroke-like episodes (MELAS) in addition to bilateral sensorineural hearing loss, myopia, short stature requiring growth hormone supplementation, and delayed onset of puberty (PMID: 21540128; PS4_supporting). The variant was heteroplasmic in the individual with MNGIE-like features at 90% in muscle and 70% in blood, with 60% heteroplasmy being seen in the asymptomatic mother’s blood (PMID: 19252805). In the individual with MELAS, the variant was present at 75% heteroplasmy in blood, 95% in urine, and 90% in fibroblasts; the variant was present in the mother at 93% in blood, 98% in urine, and 95% in fibroblasts (PMIDs: 21540128, 30709774). No correlating segregations or de novo occurrences of this variant were found in our review of the literature. The computational predictor MitoTIP suggests this variant is pathogenic (65th percentile) and HmtVAR predicts it to be pathogenic score of 0.85 (PP3). The m.1630A>G variant is absent in the GenBank dataset, the Helix dataset (although there are four heteroplasmic occurrences), and gnomAD3.1.2 (PM2_supporting). Single-fiber testing (PMID: 19252805) showed 90% heteroplasmy in COX-negative fibers and 50% in COX-positive fibers. Cybrids showed marked decrease in cytochrome-c oxidase activity. Oxygen consumption/respiration activity was also greatly reduced in both homoplasmic and heteroplasmic cybrid lines. Northern blotting showed a pronounced loss of MTTV in mutant cybrids when compared to controls (PMID: 21540128; PS3_supporting). In summary, this variant meets criteria to be classified as uncertain significance for primary mitochondrial disease inherited in a mitochondrial manner. This classification was approved by the NICHD/NINDS U24 ClinGen Mitochondrial Disease Variant Curation Expert Panel on November 14, 2022. Mitochondrial DNA-specific ACMG/AMP criteria applied (PMID: 32906214): PS4_supporting, PP3, PM2_supporting, PS3_supporting, PP4.

Mendelics
Classification: Uncertain significance for MELAS syndrome. Last evaluated: 2023-06-19. Review status: criteria provided, single submitter. Criteria: Mendelics Assertion Criteria 2019. Collection method: clinical testing. Allele origin: germline. Not counted in ClinVar's aggregate classification.

Wong Mito Lab, Molecular and Human Genetics, Baylor College of Medicine
Classification: Likely pathogenic for MELAS syndrome. Last evaluated: 2019-07-12. Review status: criteria provided, single submitter. Criteria: Modified ACMG Guidelines (Unpublished). Collection method: clinical testing. Allele origin: germline. Not counted in ClinVar's aggregate classification.
Comment: The NC_012920.1:m.1630A>G variant in MT-TV gene is interpreted to be a Likely Pathogenic variant based on the modified ACMG guidelines (unpublished). This variant meets the following evidence codes reported in the guidelines: PS3, PM7, PP4, PP6

Literature cited by the submitters: PubMed 21540128 (cited by ClinGen Mitochondrial Disease Nuclear and Mitochondrial  Variant Curation Expert Panel, ClinGen); PubMed 19252805 (cited by ClinGen Mitochondrial Disease Nuclear and Mitochondrial  Variant Curation Expert Panel, ClinGen); PubMed 31965079 (cited by Wong Mito Lab, Molecular and Human Genetics, Baylor College of Medicine).